The following is an entry in ClinVar:

ClinVar aggregate classification (germline): Pathogenic/Likely pathogenic. Review status: criteria provided, multiple submitters, no conflicts (2 of 4 stars). 3 submissions from 3 submitters: Pathogenic (1); Likely pathogenic (2). Last evaluated 2024-04-02.

Conditions:
Parathyroid carcinoma (PRTC). Also called: Parathyroid gland carcinoma; CDC73-Related Parathyroid Carcinoma. Identifiers: Orphanet 143, MedGen C0687150, MONDO:0012004, OMIM 608266, HP:0006780.

Submissions (3):

Labcorp Genetics (formerly Invitae), Labcorp
Classification: Pathogenic for Parathyroid carcinoma. Last evaluated: 2024-04-02. Review status: criteria provided, single submitter. Criteria: Invitae Variant Classification Sherloc (09022015). Collection method: clinical testing. Allele origin: germline.
Comment: This sequence change creates a premature translational stop signal (p.His160Glnfs*8) in the CDC73 gene. It is expected to result in an absent or disrupted protein product. Loss-of-function variants in CDC73 are known to be pathogenic (PMID: 12434154). This variant is not present in population databases (gnomAD no frequency). This variant has not been reported in the literature in individuals affected with CDC73-related conditions. ClinVar contains an entry for this variant (Variation ID: 633148). For these reasons, this variant has been classified as Pathogenic.

GeneDx
Classification: Likely pathogenic. Last evaluated: 2020-12-07. Review status: criteria provided, single submitter. Criteria: GeneDx Variant Classification Process June 2021. Collection method: clinical testing. Allele origin: germline. Affected: yes.
Comment: Frameshift variant predicted to result in protein truncation or nonsense mediated decay in a gene for which loss-of-function is a known mechanism of disease; Not observed in large population cohorts (Lek et al., 2016); Has not been previously published as pathogenic or benign to our knowledge

Women's Health and Genetics/Laboratory Corporation of America, LabCorp
Classification: Likely pathogenic for Parathyroid carcinoma. Last evaluated: 2018-10-22. Review status: criteria provided, single submitter. Criteria: LabCorp Variant Classification Summary - May 2015. Collection method: clinical testing. Allele origin: germline.
Comment: Variant summary: CDC73 c.480_481delCA (p.His160GlnfsX8) results in a premature termination codon, predicted to cause a truncation of the encoded protein or absence of the protein due to nonsense mediated decay, which are commonly known mechanisms for disease. The variant was absent in 246186 control chromosomes (gnomAD). To our knowledge, no occurrence of c.480_481delCA in individuals affected with Hyperparathyroidism-Jaw Tumor Syndrome and no experimental evidence demonstrating its impact on protein function have been reported. No clinical diagnostic laboratories have submitted clinical-significance assessments for this variant to ClinVar after 2014. Based on the evidence outlined above, the variant was classified as likely pathogenic.

Literature cited by the submitters: PubMed 12434154 (cited by Labcorp Genetics (formerly Invitae), Labcorp).

NM_024529.5(CDC73):c.480_481del (p.His160fs)

Gene: CDC73 (cell division cycle 73; plus strand). Cytogenetic location: 1q31.2.
Variant type: Microsatellite.
Coding change: c.480_481del on transcript NM_024529.5 (MANE Select); coding-DNA positions 480 to 481, 2 bases deleted (CA; older notation c.480_481delCA).
Protein change: p.His160fs; shifts the reading frame from histidine 160.
Molecular consequence: frameshift variant.
Genome position (GRCh38, 1-based): chr1:193,138,141-193,138,142, CA deleted; deleting any 2 consecutive bases within chr1:193,138,139-193,138,142 gives the same sequence; the c. name uses the placement nearest the transcript's 3' end. VCF-style (leftmost placement, unchanged base first): chr1-193138138-TCA-T. GRCh37 (hg19) VCF-style: chr1-193107268-TCA-T.
Other names: c.480_481delCA (NM_024529.4); short protein forms H160fs.
Identifiers: ClinVar variation 633148 (VCV000633148.5), dbSNP rs1572152420, ClinGen allele CA913189588.
Genomic context (GRCh38, chr1:193,138,138, plus strand): 5'-TTTCCAGGATGAAGAGTGTGTGCGCCTTGATAAAGAGAGATTGGCTGCCCGTTTGGAGGG[TCA>T]CAAAGAAGGGATTGTACAGACTGAACAGATTAGGTAAGAATTCTTTTTAAGTAGAAAGTA-3'